The following is an entry in ClinVar:

NM_001082486.2(ACD):c.685A>C (p.Ile229Leu)

Gene: ACD (ACD shelterin complex subunit and telomerase recruitment factor; minus strand). Cytogenetic location: 16q22.1.
Variant type: single nucleotide variant.
Coding change: c.685A>C on transcript NM_001082486.2 (MANE Select); coding-DNA position 685, A replaced by C.
Protein change: p.Ile229Leu; replaces isoleucine 229 with leucine.
Molecular consequence: missense variant.
Genome position (GRCh38, 1-based): chr16:67,658,777, T>G on the plus strand (A>C on the coding strand, the complement: ACD is on the minus strand). VCF-style: chr16-67658777-T-G. GRCh37 (hg19) VCF-style: chr16-67692680-T-G.
Other names: c.685A>C, p.Ile229Leu (NM_001410884.1); c.676A>C, p.Ile226Leu (NM_022914.3); short protein forms I229L, I226L.
Identifiers: ClinVar variation 2566753 (VCV002566753.2), dbSNP rs1567640930, ClinGen allele CA396353612.

ClinVar aggregate classification (germline): Uncertain significance (1 of 4 stars; one submission).

Conditions:
Inborn genetic diseases. Identifiers: MedGen C0950123, MeSH D030342.

Submission:

Ambry Genetics
Classification: Uncertain significance for Inborn genetic diseases. Last evaluated: 2023-03-29. Review status: criteria provided, single submitter. Criteria: Ambry Variant Classification Scheme 2023. Collection method: clinical testing. Allele origin: germline.
Comment: The p.I315L variant (also known as c.943A>C), located in coding exon 8 of the ACD gene, results from an A to C substitution at nucleotide position 943. The isoleucine at codon 315 is replaced by leucine, an amino acid with highly similar properties. This amino acid position is conserved. In addition, this alteration is predicted to be tolerated by in silico analysis. Since supporting evidence is limited at this time, the clinical significance of this alteration remains unclear.